The following is an entry in ClinVar:

NM_206933.4(USH2A):c.5941A>T (p.Arg1981Ter)

Gene: USH2A (usherin; minus strand). Cytogenetic location: 1q41.
Variant type: single nucleotide variant.
Coding change: c.5941A>T on transcript NM_206933.4 (MANE Select); coding-DNA position 5941, A replaced by T.
Protein change: p.Arg1981Ter; replaces arginine 1981 with a stop codon.
Molecular consequence: nonsense.
Genome position (GRCh38, 1-based): chr1:216,070,209, T>A on the plus strand (A>T on the coding strand, the complement: USH2A is on the minus strand). VCF-style: chr1-216070209-T-A. GRCh37 (hg19) VCF-style: chr1-216243551-T-A.
Other names: short protein forms R1981*.
Identifiers: ClinVar variation 4688012 (VCV004688012.1).
Genomic context (GRCh38, chr1:216,070,209, plus strand): 5'-GGGGTGGACGGGTGCTGTCCTCACTATAGGCTTTCAGAATGTACTTCTCAATTACACCTC[T>A]GACAACAGGTTCATCCCAGGTCACCTCAATGCTGTATCCATTTAAGCTGCGGACTCTTGA-3'

ClinVar aggregate classification (germline): Likely pathogenic (1 of 4 stars; one submission).

Conditions:
Usher syndrome type 2A. Also called: RETINAL DISEASE IN USHER SYNDROME TYPE IIA, MODIFIER OF; USHER SYNDROME, TYPE IIA. Identifiers: Orphanet 231178, Orphanet 886, MedGen C1848634, MONDO:0010169, OMIM 276901.

Submission:

Human Genetics Bochum, Ruhr University Bochum
Classification: Likely pathogenic for Usher syndrome type 2A. Last evaluated: 2024-12-10. Review status: criteria provided, single submitter. Criteria: ACMG Guidelines, 2015. Collection method: clinical testing. Allele origin: germline. Affected: yes.
Comment: in homozygous state; ACMG criteria used to clasify this variant: PVS1_STR, PM3, PM2_SUP